The following is an entry in ClinVar:

NM_000051.4(ATM):c.442G>T (p.Asp148Tyr)

Gene: ATM (ATM serine/threonine kinase; plus strand). Cytogenetic location: 11q22.3.
Variant type: single nucleotide variant.
Coding change: c.442G>T on transcript NM_000051.4 (MANE Select); coding-DNA position 442, G replaced by T.
Protein change: p.Asp148Tyr; replaces aspartic acid 148 with tyrosine.
Molecular consequence: missense variant.
Genome position (GRCh38, 1-based): chr11:108,235,780, G>T. VCF-style: chr11-108235780-G-T. GRCh37 (hg19) VCF-style: chr11-108106507-G-T.
Other names: c.442G>T, p.Asp148Tyr (NM_001351834.2); short protein forms D148Y.
Identifiers: ClinVar variation 4616636 (VCV004616636.1).

ClinVar aggregate classification (germline): Uncertain significance (1 of 4 stars; one submission).

Conditions:
Hereditary cancer-predisposing syndrome. Also called: Neoplastic Syndromes, Hereditary; Tumor predisposition; Hereditary Cancer Syndrome; Hereditary neoplastic syndrome. Identifiers: Orphanet 140162, MedGen C0027672, MeSH D009386, MONDO:0015356.

Submission:

Ambry Genetics
Classification: Uncertain significance for Hereditary cancer-predisposing syndrome. Last evaluated: 2025-10-07. Review status: criteria provided, single submitter. Criteria: Ambry Variant Classification Scheme 2023. Collection method: clinical testing. Allele origin: germline.
Comment: The p.D148Y variant (also known as c.442G>T), located in coding exon 4 of the ATM gene, results from a G to T substitution at nucleotide position 442. The aspartic acid at codon 148 is replaced by tyrosine, an amino acid with highly dissimilar properties. In an assay testing ATM function, this variant showed a functionally normal result (Lee KS et al. Cell, 2025 Sep;188:5081-5099.e27). This amino acid position is well conserved in available vertebrate species. In addition, the in silico prediction for this alteration is inconclusive. Based on the available evidence, the clinical significance of this variant remains unclear.

Literature cited by the submitters: PubMed 40580951.